The following is an entry in ClinVar:

NM_003718.5(CDK13):c.1987A>G (p.Lys663Glu)

Gene: CDK13 (cyclin dependent kinase 13; plus strand). Cytogenetic location: 7p14.1.
Variant type: single nucleotide variant.
Coding change: c.1987A>G on transcript NM_003718.5 (MANE Select); coding-DNA position 1987, A replaced by G.
Protein change: p.Lys663Glu; replaces lysine 663 with glutamic acid.
Molecular consequence: missense variant.
Genome position (GRCh38, 1-based): chr7:39,997,609, A>G. VCF-style: chr7-39997609-A-G. GRCh37 (hg19) VCF-style: chr7-40037208-A-G.
Other names: c.1987A>G, p.Lys663Glu (NM_031267.4); short protein forms K663E.
Identifiers: ClinVar variation 1973727 (VCV001973727.6), dbSNP rs1321687875, ClinGen allele CA367287436.

ClinVar aggregate classification (germline): Uncertain significance. Review status: criteria provided, multiple submitters, no conflicts (2 of 4 stars). 2 submissions from 2 submitters: Uncertain significance (2). Last evaluated 2025-06-12.

Conditions:
Syndromic intellectual disability. Also called: Intellectual disability syndrome. Identifiers: Orphanet 183763, MedGen C5680525, MONDO:0000508.

Allele frequency attached by ClinVar (database versions not stated): gnomAD 0.00001; gnomAD exomes 0.00001; TOPMed 0.00002.
gnomAD v4.1: 9 of 1,613,460 alleles (0.00056%); highest among the groups gnomAD compares: Middle Eastern, 0.016%; no homozygotes.

Submissions (2):

Labcorp Genetics (formerly Invitae), Labcorp
Classification: Uncertain significance. Last evaluated: 2025-06-12. Review status: criteria provided, single submitter. Criteria: Invitae Variant Classification Sherloc (09022015). Collection method: clinical testing. Allele origin: germline.
Comment: This sequence change replaces lysine, which is basic and polar, with glutamic acid, which is acidic and polar, at codon 663 of the CDK13 protein (p.Lys663Glu). This variant is present in population databases (no rsID available, gnomAD 0.003%). This variant has not been reported in the literature in individuals affected with CDK13-related conditions. ClinVar contains an entry for this variant (Variation ID: 1973727). Invitae Evidence Modeling of protein sequence and biophysical properties (such as structural, functional, and spatial information, amino acid conservation, physicochemical variation, residue mobility, and thermodynamic stability) indicates that this missense variant is not expected to disrupt CDK13 protein function with a negative predictive value of 95%. In summary, the available evidence is currently insufficient to determine the role of this variant in disease. Therefore, it has been classified as a Variant of Uncertain Significance.

Department of Pathology and Laboratory Medicine, Sinai Health System
Classification: Uncertain significance for syndromic intellectual disability. Last evaluated: 2021-07-30. Review status: criteria provided, single submitter. Criteria: ACMG Guidelines, 2015. Collection method: research. Allele origin: germline.